The following is an entry in ClinVar:

NM_000059.4(BRCA2):c.781G>A (p.Ala261Thr)

Gene: BRCA2 (BRCA2 DNA repair associated; plus strand). Cytogenetic location: 13q13.1.
Variant type: single nucleotide variant.
Coding change: c.781G>A on transcript NM_000059.4 (MANE Select); coding-DNA position 781, G replaced by A.
Protein change: p.Ala261Thr; replaces alanine 261 with threonine.
Molecular consequence: missense variant.
Genome position (GRCh38, 1-based): chr13:32,331,018, G>A. VCF-style: chr13-32331018-G-A. GRCh37 (hg19) VCF-style: chr13-32905155-G-A.
Other names: short protein forms A261T.
Identifiers: ClinVar variation 491334 (VCV000491334.5), dbSNP rs1135401831, ClinGen allele CA387760214.

ClinVar aggregate classification (germline): Uncertain significance. Review status: criteria provided, multiple submitters, no conflicts (2 of 4 stars). 2 submissions from 2 submitters: Uncertain significance (2). Last evaluated 2023-10-19.

Conditions:
Hereditary cancer-predisposing syndrome. Also called: Hereditary neoplastic syndrome; Tumor predisposition; Hereditary Cancer Syndrome; Neoplastic Syndromes, Hereditary. Identifiers: Orphanet 140162, MedGen C0027672, MeSH D009386, MONDO:0015356.

Allele frequency attached by ClinVar (database versions not stated): gnomAD exomes below 0.00001.

Submissions (2):

Ambry Genetics
Classification: Uncertain significance for Hereditary cancer-predisposing syndrome. Last evaluated: 2023-10-19. Review status: criteria provided, single submitter. Criteria: Ambry Variant Classification Scheme 2023. Collection method: clinical testing. Allele origin: germline.
Comment: The p.A261T variant (also known as c.781G>A), located in coding exon 8 of the BRCA2 gene, results from a G to A substitution at nucleotide position 781. The alanine at codon 261 is replaced by threonine, an amino acid with similar properties. This amino acid position is conserved. In addition, this alteration is predicted to be tolerated by in silico analysis. Since supporting evidence is limited at this time, the clinical significance of this alteration remains unclear.

Color Diagnostics, LLC DBA Color Health
Classification: Uncertain significance for Hereditary cancer-predisposing syndrome. Last evaluated: 2019-04-19. Review status: criteria provided, single submitter. Criteria: ACMG Guidelines, 2015. Collection method: clinical testing. Allele origin: germline.